The following is an entry in ClinVar:

NM_013275.6(ANKRD11):c.5149G>T (p.Glu1717Ter)

Gene: ANKRD11 (ankyrin repeat domain containing 11; minus strand). Cytogenetic location: 16q24.3.
Variant type: single nucleotide variant.
Coding change: c.5149G>T on transcript NM_013275.6 (MANE Select); coding-DNA position 5149, G replaced by T.
Protein change: p.Glu1717Ter; replaces glutamic acid 1717 with a stop codon.
Molecular consequence: nonsense.
Genome position (GRCh38, 1-based): chr16:89,281,393, C>A on the plus strand (G>T on the coding strand, the complement: ANKRD11 is on the minus strand). VCF-style: chr16-89281393-C-A. GRCh37 (hg19) VCF-style: chr16-89347801-C-A.
Other names: c.5149G>T, p.Glu1717Ter (NM_001256182.2, NM_001256183.2); short protein forms E1717*.
Identifiers: ClinVar variation 3543672 (VCV003543672.1).

ClinVar aggregate classification (germline): Pathogenic (1 of 4 stars; one submission).

Conditions:
Inborn genetic diseases. Identifiers: MedGen C0950123, MeSH D030342.

Submission:

Ambry Genetics
Classification: Pathogenic for Inborn genetic diseases. Last evaluated: 2024-12-03. Review status: criteria provided, single submitter. Criteria: Ambry Variant Classification Scheme 2023. Collection method: clinical testing. Allele origin: germline.
Comment: The c.5149G>T (p.E1717*) alteration, located in exon 9 (coding exon 7) of the ANKRD11 gene, consists of a G to T substitution at nucleotide position 5149. This changes the amino acid from a glutamic acid (E) to a stop codon at amino acid position 1717. This alteration is expected to result in loss of function by premature protein truncation or nonsense-mediated mRNA decay. This variant was not reported in population-based cohorts in the Genome Aggregation Database (gnomAD). Based on the available evidence, this alteration is classified as pathogenic.